The following is an entry in ClinVar:

ClinVar aggregate classification (germline): Pathogenic. Review status: criteria provided, multiple submitters, no conflicts (2 of 4 stars). 2 submissions from 2 submitters: Pathogenic (2). Last evaluated 2024-02-29.

Conditions:
Wilson disease (WND). Also called: Wilson's disease. Identifiers: Orphanet 905, MedGen C0019202, MONDO:0010200, OMIM 277900. Disease mechanism: loss of function.

Submissions (2):

Baylor Genetics
Classification: Pathogenic for Wilson disease. Last evaluated: 2024-02-29. Review status: criteria provided, single submitter. Criteria: ACMG Guidelines, 2015. Collection method: clinical testing. Allele origin: unknown.

Labcorp Genetics (formerly Invitae), Labcorp
Classification: Pathogenic for Wilson disease. Last evaluated: 2021-08-21. Review status: criteria provided, single submitter. Criteria: Invitae Variant Classification Sherloc (09022015). Collection method: clinical testing. Allele origin: germline.
Comment: This variant is not present in population databases (ExAC no frequency). This variant has not been reported in the literature in individuals affected with ATP7B-related conditions. This sequence change creates a premature translational stop signal (p.Glu624Asnfs*130) in the ATP7B gene. It is expected to result in an absent or disrupted protein product. Loss-of-function variants in ATP7B are known to be pathogenic (PMID: 10441329, 16283883). Algorithms developed to predict the effect of sequence changes on RNA splicing suggest that this variant may disrupt the consensus splice site. For these reasons, this variant has been classified as Pathogenic.

Literature cited by the submitters: PubMed 10441329 (cited by Labcorp Genetics (formerly Invitae), Labcorp); PubMed 16283883 (cited by Labcorp Genetics (formerly Invitae), Labcorp).

NM_000053.4(ATP7B):c.1870_1871del (p.Glu624fs)

Gene: ATP7B (ATPase copper transporting beta; minus strand). Cytogenetic location: 13q14.3.
Variant type: Deletion.
Coding change: c.1870_1871del on transcript NM_000053.4 (MANE Select); coding-DNA positions 1870 to 1871, 2 bases deleted (GA; older notation c.1870_1871delGA).
Protein change: p.Glu624fs; shifts the reading frame from glutamic acid 624.
Molecular consequence: frameshift variant. On other transcripts: intron variant (2).
Genome position (GRCh38, 1-based): chr13:51,961,912-51,961,913, TC deleted on the plus strand (GA on the coding strand, the reverse complement: ATP7B is on the minus strand). VCF-style (leftmost placement, unchanged base first): chr13-51961911-TTC-T. GRCh37 (hg19) VCF-style: chr13-52536047-TTC-T.
Other names: c.1537_1538del, p.Glu513fs (NM_001243182.2); c.1870_1871del, p.Glu624fs (NM_001330578.2); c.1869+2959_1869+2960del (NM_001005918.3, NM_001330579.2); short protein forms E624fs, E513fs.
Identifiers: ClinVar variation 1458507 (VCV001458507.7), dbSNP rs2139669739, ClinGen allele CA2573149656.